The following is an entry in ClinVar:

NM_016034.5(MRPS2):c.311C>T (p.Pro104Leu)

Genes: MRPS2 (mitochondrial ribosomal protein S2; plus strand), LOC101928525 (uncharacterized LOC101928525; minus strand). Cytogenetic location: 9q34.3.
Variant type: single nucleotide variant.
Coding change: c.311C>T on transcript NM_016034.5 (MANE Select); coding-DNA position 311, C replaced by T.
Protein change: p.Pro104Leu; replaces proline 104 with leucine.
Molecular consequence: missense variant. On other transcripts: non-coding transcript variant (5).
Genome position (GRCh38, 1-based): chr9:135,503,553, C>T. VCF-style: chr9-135503553-C-T. GRCh37 (hg19) VCF-style: chr9-138395399-C-T.
Other names: c.311C>T, p.Pro104Leu (NM_001371401.1); short protein forms P104L.
Identifiers: ClinVar variation 2361883 (VCV002361883.5), dbSNP rs1365076161, ClinGen allele CA375483502.

ClinVar aggregate classification (germline): Uncertain significance. Review status: criteria provided, multiple submitters, no conflicts (2 of 4 stars). 2 submissions from 2 submitters: Uncertain significance (2). Last evaluated 2023-12-07.

Allele frequency attached by ClinVar (database versions not stated): gnomAD 0.00001; TOPMed 0.00002.
gnomAD v4.1: 44 of 1,612,918 alleles (0.0027%); highest among the groups gnomAD compares: South Asian, 0.0044%; no homozygotes.

Submissions (2):

Labcorp Genetics (formerly Invitae), Labcorp
Classification: Uncertain significance. Last evaluated: 2023-12-07. Review status: criteria provided, single submitter. Criteria: Invitae Variant Classification Sherloc (09022015). Collection method: clinical testing. Allele origin: germline.
Comment: This sequence change replaces proline, which is neutral and non-polar, with leucine, which is neutral and non-polar, at codon 104 of the MRPS2 protein (p.Pro104Leu). This variant is present in population databases (no rsID available, gnomAD 0.007%). This variant has not been reported in the literature in individuals affected with MRPS2-related conditions. ClinVar contains an entry for this variant (Variation ID: 2361883). Advanced modeling of protein sequence and biophysical properties (such as structural, functional, and spatial information, amino acid conservation, physicochemical variation, residue mobility, and thermodynamic stability) performed at Invitae indicates that this missense variant is expected to disrupt MRPS2 protein function with a positive predictive value of 80%. In summary, the available evidence is currently insufficient to determine the role of this variant in disease. Therefore, it has been classified as a Variant of Uncertain Significance.

Ambry Genetics
Classification: Uncertain significance. Last evaluated: 2021-11-15. Review status: criteria provided, single submitter. Criteria: Ambry Variant Classification Scheme 2023. Collection method: clinical testing. Allele origin: germline.